The following is an entry in ClinVar:

ClinVar aggregate classification (germline): Uncertain significance (1 of 4 stars; one submission).

Conditions:
Hyperphosphatasia with impaired intellectual development syndrome 2. Also called: Hyperphosphatasia with intellectual disability syndrome 2; GLYCOSYLPHOSPHATIDYLINOSITOL BIOSYNTHESIS DEFECT 6. Identifiers: Orphanet 247262, MedGen C3553637, MONDO:0013882, OMIM 614749.

Submission:

Labcorp Genetics (formerly Invitae), Labcorp
Classification: Uncertain significance for Hyperphosphatasia with impaired intellectual development syndrome 2. Last evaluated: 2021-08-30. Review status: criteria provided, single submitter. Criteria: Invitae Variant Classification Sherloc (09022015). Collection method: clinical testing. Allele origin: germline.
Comment: This sequence change replaces proline with arginine at codon 614 of the PIGO protein (p.Pro614Arg). The proline residue is moderately conserved and there is a moderate physicochemical difference between proline and arginine. This variant is present in population databases (rs749184960, ExAC 0.002%). This variant has not been reported in the literature in individuals affected with PIGO-related conditions. Algorithms developed to predict the effect of missense changes on protein structure and function (SIFT, PolyPhen-2, Align-GVGD) all suggest that this variant is likely to be tolerated. In summary, the available evidence is currently insufficient to determine the role of this variant in disease. Therefore, it has been classified as a Variant of Uncertain Significance.

NM_032634.4(PIGO):c.1841C>G (p.Pro614Arg)

Gene: PIGO (phosphatidylinositol glycan anchor biosynthesis class O; minus strand). Cytogenetic location: 9p13.3.
Variant type: single nucleotide variant.
Coding change: c.1841C>G on transcript NM_032634.4 (MANE Select); coding-DNA position 1841, C replaced by G.
Protein change: p.Pro614Arg; replaces proline 614 with arginine.
Molecular consequence: missense variant. On other transcripts: intron variant (2).
Genome position (GRCh38, 1-based): chr9:35,092,046, G>C on the plus strand (C>G on the coding strand, the complement: PIGO is on the minus strand). VCF-style: chr9-35092046-G-C. GRCh37 (hg19) VCF-style: chr9-35092043-G-C.
Other names: c.1344+497C>G (NM_152850.4, NM_001201484.2); short protein forms P614R.
Identifiers: ClinVar variation 948886 (VCV000948886.7), dbSNP rs749184960, ClinGen allele CA5040552.